The following is an entry in ClinVar:

ClinVar aggregate classification (germline): Uncertain significance (1 of 4 stars; one submission).

Conditions:
Ataxia-telangiectasia syndrome (AT). Also called: Cerebello-oculocutaneous telangiectasia; Immunodeficiency with ataxia telangiectasia; LOUIS-BAR SYNDROME; AT, COMPLEMENTATION GROUP C; ATAXIA-TELANGIECTASIA, COMPLEMENTATION GROUP A; ATAXIA-TELANGIECTASIA, FRESNO VARIANT. Identifiers: Orphanet 100, MedGen C0004135, MONDO:0008840, OMIM 208900.

Submission:

Labcorp Genetics (formerly Invitae), Labcorp
Classification: Uncertain significance for Ataxia-telangiectasia syndrome. Last evaluated: 2019-09-10. Review status: criteria provided, single submitter. Criteria: Invitae Variant Classification Sherloc (09022015). Collection method: clinical testing. Allele origin: germline.
Comment: Algorithms developed to predict the effect of missense changes on protein structure and function are either unavailable or do not agree on the potential impact of this missense change (SIFT: "Deleterious"; PolyPhen-2: "Benign"; Align-GVGD: "Class C45"). This sequence change replaces isoleucine with asparagine at codon 238 of the ATM protein (p.Ile238Asn). The isoleucine residue is moderately conserved and there is a large physicochemical difference between isoleucine and asparagine. This variant is not present in population databases (ExAC no frequency). This variant has not been reported in the literature in individuals with ATM-related conditions. In summary, the available evidence is currently insufficient to determine the role of this variant in disease. Therefore, it has been classified as a Variant of Uncertain Significance.

NM_000051.4(ATM):c.713T>A (p.Ile238Asn)

Gene: ATM (ATM serine/threonine kinase; plus strand). Cytogenetic location: 11q22.3.
Variant type: single nucleotide variant.
Coding change: c.713T>A on transcript NM_000051.4 (MANE Select); coding-DNA position 713, T replaced by A.
Protein change: p.Ile238Asn; replaces isoleucine 238 with asparagine.
Molecular consequence: missense variant.
Genome position (GRCh38, 1-based): chr11:108,244,838, T>A. VCF-style: chr11-108244838-T-A. GRCh37 (hg19) VCF-style: chr11-108115565-T-A.
Other names: c.713T>A, p.Ile238Asn (NM_001351834.2); short protein forms I238N.
Identifiers: ClinVar variation 937468 (VCV000937468.9), dbSNP rs149116878, ClinGen allele CA382529169.